The following is an entry in ClinVar:

ClinVar aggregate classification (germline): Uncertain significance (1 of 4 stars; one submission).

Submission:

GeneDx
Classification: Uncertain significance. Last evaluated: 2025-05-20. Review status: criteria provided, single submitter. Criteria: GeneDx Variant Classification Process June 2021. Collection method: clinical testing. Allele origin: germline. Affected: yes.
Comment: Not observed at significant frequency in large population cohorts (gnomAD); In silico analysis supports that this missense variant has a deleterious effect on protein structure/function; Has not been previously published as pathogenic or benign to our knowledge

NM_000388.4(CASR):c.485T>A (p.Ile162Asn)

Gene: CASR (calcium sensing receptor; plus strand). Cytogenetic location: 3q21.1.
Variant type: single nucleotide variant.
Coding change: c.485T>A on transcript NM_000388.4 (MANE Select); coding-DNA position 485, T replaced by A.
Protein change: p.Ile162Asn; replaces isoleucine 162 with asparagine.
Molecular consequence: missense variant.
Genome position (GRCh38, 1-based): chr3:122,257,380, T>A. VCF-style: chr3-122257380-T-A. GRCh37 (hg19) VCF-style: chr3-121976227-T-A.
Other names: c.485T>A, p.Ile162Asn (NM_001178065.2); short protein forms I162N.
Identifiers: ClinVar variation 4532469 (VCV004532469.1).